The following is an entry in ClinVar:

NM_130837.3(OPA1):c.86C>A (p.Pro29Gln)

Gene: OPA1 (OPA1 mitochondrial dynamin like GTPase; plus strand). Cytogenetic location: 3q29.
Variant type: single nucleotide variant.
Coding change: c.86C>A on transcript NM_130837.3 (MANE Select); coding-DNA position 86, C replaced by A.
Protein change: p.Pro29Gln; replaces proline 29 with glutamine.
Molecular consequence: missense variant. On other transcripts: 5 prime UTR variant (2).
Genome position (GRCh38, 1-based): chr3:193,614,776, C>A. VCF-style: chr3-193614776-C-A. GRCh37 (hg19) VCF-style: chr3-193332565-C-A.
Other names: c.-287C>A (NM_001354663.2, NM_001354664.2); c.86C>A, p.Pro29Gln (NM_015560.3, NM_130831.3, NM_130832.3 and 4 more transcripts); short protein forms P29Q.
Identifiers: ClinVar variation 2892511 (VCV002892511.3), dbSNP rs2474574926, ClinGen allele CA355786473.

ClinVar aggregate classification (germline): Uncertain significance (1 of 4 stars; one submission).

Allele frequency attached by ClinVar (database versions not stated): gnomAD exomes below 0.00001.
gnomAD v4.1: 2 of 1,614,012 alleles (0.00012%); highest among the groups gnomAD compares: Non-Finnish European, 0.00017%; no homozygotes.

Submission:

Labcorp Genetics (formerly Invitae), Labcorp
Classification: Uncertain significance. Last evaluated: 2023-10-05. Review status: criteria provided, single submitter. Criteria: Invitae Variant Classification Sherloc (09022015). Collection method: clinical testing. Allele origin: germline.
Comment: This sequence change replaces proline, which is neutral and non-polar, with glutamine, which is neutral and polar, at codon 29 of the OPA1 protein (p.Pro29Gln). This variant is not present in population databases (gnomAD no frequency). This variant has not been reported in the literature in individuals affected with OPA1-related conditions. Advanced modeling of protein sequence and biophysical properties (such as structural, functional, and spatial information, amino acid conservation, physicochemical variation, residue mobility, and thermodynamic stability) has been performed at Invitae for this missense variant, however the output from this modeling did not meet the statistical confidence thresholds required to predict the impact of this variant on OPA1 protein function. In summary, the available evidence is currently insufficient to determine the role of this variant in disease. Therefore, it has been classified as a Variant of Uncertain Significance.